The following is an entry in ClinVar:

NM_032444.4(SLX4):c.2721G>T (p.Glu907Asp)

Gene: SLX4 (SLX4 structure-specific endonuclease subunit; minus strand). Cytogenetic location: 16p13.3.
Variant type: single nucleotide variant.
Coding change: c.2721G>T on transcript NM_032444.4 (MANE Select); coding-DNA position 2721, G replaced by T.
Protein change: p.Glu907Asp; replaces glutamic acid 907 with aspartic acid.
Molecular consequence: missense variant.
Genome position (GRCh38, 1-based): chr16:3,590,917, C>A on the plus strand (G>T on the coding strand, the complement: SLX4 is on the minus strand). VCF-style: chr16-3590917-C-A. GRCh37 (hg19) VCF-style: chr16-3640918-C-A.
Other names: short protein forms E907D.
Identifiers: ClinVar variation 1488330 (VCV001488330.7), dbSNP rs141450907, ClinGen allele CA276959318.

ClinVar aggregate classification (germline): Uncertain significance. Review status: criteria provided, multiple submitters, no conflicts (2 of 4 stars). 2 submissions from 2 submitters: Uncertain significance (2). Last evaluated 2022-04-05.

Conditions:
Fanconi anemia (FA). Also called: Fanconi's anemia. Identifiers: Orphanet 84, MedGen C0015625, MeSH D005199, MONDO:0019391.
Fanconi anemia complementation group P. Also called: SLX4-Related Fanconi Anemia. Identifiers: Orphanet 84, MedGen C3469542, MONDO:0013499, OMIM 613951.

Allele frequency attached by ClinVar (database versions not stated): TOPMed 0.00002; ESP Exome Variant Server 0.00008.
gnomAD v4.1: 3 of 1,614,056 alleles (0.00019%); highest among the groups gnomAD compares: Non-Finnish European, 0.00025%; no homozygotes.

Submissions (2):

Fulgent Genetics
Classification: Uncertain significance for Fanconi anemia complementation group P. Last evaluated: 2022-04-05. Review status: criteria provided, single submitter. Criteria: ACMG Guidelines, 2015. Collection method: clinical testing. Allele origin: unknown.

Labcorp Genetics (formerly Invitae), Labcorp
Classification: Uncertain significance for Fanconi anemia. Last evaluated: 2021-08-12. Review status: criteria provided, single submitter. Criteria: Invitae Variant Classification Sherloc (09022015). Collection method: clinical testing. Allele origin: germline.
Comment: This variant is not present in population databases (ExAC no frequency). In summary, the available evidence is currently insufficient to determine the role of this variant in disease. Therefore, it has been classified as a Variant of Uncertain Significance. Algorithms developed to predict the effect of missense changes on protein structure and function output the following: SIFT: "Tolerated"; PolyPhen-2: "Benign"; Align-GVGD: "Class C0". The aspartic acid amino acid residue is found in multiple mammalian species, which suggests that this missense change does not adversely affect protein function. This variant has not been reported in the literature in individuals affected with SLX4-related conditions. This sequence change replaces glutamic acid with aspartic acid at codon 907 of the SLX4 protein (p.Glu907Asp). The glutamic acid residue is weakly conserved and there is a small physicochemical difference between glutamic acid and aspartic acid.